The following is an entry in ClinVar:

NM_001034850.3(RETREG1):c.1378C>G (p.Gln460Glu)

Gene: RETREG1 (reticulophagy regulator 1; minus strand). Cytogenetic location: 5p15.1.
Variant type: single nucleotide variant.
Coding change: c.1378C>G on transcript NM_001034850.3 (MANE Select); coding-DNA position 1378, C replaced by G.
Protein change: p.Gln460Glu; replaces glutamine 460 with glutamic acid.
Molecular consequence: missense variant.
Genome position (GRCh38, 1-based): chr5:16,474,857, G>C on the plus strand (C>G on the coding strand, the complement: RETREG1 is on the minus strand). VCF-style: chr5-16474857-G-C. GRCh37 (hg19) VCF-style: chr5-16474966-G-C.
Other names: c.955C>G, p.Gln319Glu (NM_019000.5); short protein forms Q460E, Q319E.
Identifiers: ClinVar variation 538127 (VCV000538127.10), dbSNP rs1554014585, ClinGen allele CA359255711.

ClinVar aggregate classification (germline): Uncertain significance (1 of 4 stars; one submission).

Submission:

Labcorp Genetics (formerly Invitae), Labcorp
Classification: Uncertain significance. Last evaluated: 2022-07-05. Review status: criteria provided, single submitter. Criteria: Invitae Variant Classification Sherloc (09022015). Collection method: clinical testing. Allele origin: germline.
Comment: In summary, the available evidence is currently insufficient to determine the role of this variant in disease. Therefore, it has been classified as a Variant of Uncertain Significance. Algorithms developed to predict the effect of missense changes on protein structure and function (SIFT, PolyPhen-2, Align-GVGD) all suggest that this variant is likely to be disruptive. ClinVar contains an entry for this variant (Variation ID: 538127). This variant has not been reported in the literature in individuals affected with FAM134B-related conditions. This variant is not present in population databases (gnomAD no frequency). This sequence change replaces glutamine, which is neutral and polar, with glutamic acid, which is acidic and polar, at codon 460 of the FAM134B protein (p.Gln460Glu).